The following is an entry in ClinVar:

ClinVar aggregate classification (germline): Conflicting classifications of pathogenicity. Review status: criteria provided, conflicting classifications (1 of 4 stars). 6 submissions from 6 submitters: Uncertain significance (4); Likely benign (2). Last evaluated 2025-01-03.

Conditions:
Dilated cardiomyopathy 1G (CMD1G). Identifiers: Orphanet 154, MedGen C1858763, MONDO:0011400, OMIM 604145.
Autosomal recessive limb-girdle muscular dystrophy type 2J (LGMDR10). Also called: Limb-girdle muscular dystrophy, type 2J; MUSCULAR DYSTROPHY, LIMB-GIRDLE, AUTOSOMAL RECESSIVE 10. Identifiers: Orphanet 140922, MedGen C1837342, MONDO:0012127, OMIM 608807.

Allele frequency attached by ClinVar (database versions not stated): ExAC 0.00004; TOPMed 0.00010; gnomAD exomes 0.00015.

Submissions (6):

Mayo Clinic Laboratories, Mayo Clinic
Classification: Uncertain significance. Last evaluated: 2025-01-03. Review status: criteria provided, single submitter. Criteria: ACMG Guidelines, 2015. Collection method: clinical testing. Allele origin: germline. Observed: 1 variant allele.
Comment: BS1

Revvity Omics, Revvity
Classification: Uncertain significance. Last evaluated: 2024-11-05. Review status: criteria provided, single submitter. Criteria: ACMG Guidelines, 2015. Collection method: clinical testing. Allele origin: germline.

Blueprint Genetics
Classification: Likely benign. Last evaluated: 2024-01-19. Review status: criteria provided, single submitter. Criteria: ACMG Guidelines, 2015. Collection method: clinical testing. Allele origin: germline.

GeneDx
Classification: Likely benign. Last evaluated: 2020-10-05. Review status: criteria provided, single submitter. Criteria: GeneDx Variant Classification Process June 2021. Collection method: clinical testing. Allele origin: germline. Affected: yes.
Comment: This variant is associated with the following publications: (PMID: 28771489, 27930701)

Labcorp Genetics (formerly Invitae), Labcorp
Classification: Uncertain significance for Dilated cardiomyopathy 1G; Autosomal recessive limb-girdle muscular dystrophy type 2J. Last evaluated: 2017-11-08. Review status: criteria provided, single submitter. Criteria: Invitae Variant Classification Sherloc (09022015). Collection method: clinical testing. Allele origin: germline.

Eurofins Ntd Llc (ga)
Classification: Uncertain significance. Last evaluated: 2017-06-20. Review status: criteria provided, single submitter. Criteria: EGL Classification Definitions 2015. Collection method: clinical testing. Allele origin: germline. Observed: 2 variant alleles, 2 heterozygotes.

NM_001267550.2(TTN):c.93570T>A (p.Asn31190Lys)

Genes: TTN (titin; minus strand), TTN-AS1 (TTN antisense RNA 1; plus strand). Cytogenetic location: 2q31.2.
Variant type: single nucleotide variant.
Coding change: c.93570T>A on transcript NM_001267550.2 (MANE Select); coding-DNA position 93570, T replaced by A.
Protein change: p.Asn31190Lys; replaces asparagine 31190 with lysine.
Molecular consequence: missense variant.
Genome position (GRCh38, 1-based): chr2:178,548,056, A>T on the plus strand (T>A on the coding strand, the complement: TTN is on the minus strand). VCF-style: chr2-178548056-A-T. GRCh37 (hg19) VCF-style: chr2-179412783-A-T.
Other names: p.Asn29549Lys; c.88647T>A, p.Asn29549Lys (NM_001256850.1); c.66375T>A, p.Asn22125Lys (NM_003319.4); c.85866T>A, p.Asn28622Lys (NM_133378.4); c.66750T>A, p.Asn22250Lys (NM_133432.3); c.66951T>A, p.Asn22317Lys (NM_133437.4); short protein forms N28622K, N31190K, N22125K, N22250K, N22317K, N29549K.
Identifiers: ClinVar variation 497027 (VCV000497027.15), dbSNP rs746309005, ClinGen allele CA1987281.